The following is an entry in ClinVar:

ClinVar aggregate classification (germline): Uncertain significance (1 of 4 stars; one submission).

Submission:

CeGaT Center for Human Genetics Tuebingen
Classification: Uncertain significance. Last evaluated: 2026-04-01. Review status: criteria provided, single submitter. Criteria: CeGaT Center For Human Genetics Tuebingen Variant Classification Criteria Version 2. Collection method: clinical testing. Allele origin: germline. Affected: yes. Observed: 1 variant allele.
Comment: RBM10: PM2

NM_005676.5(RBM10):c.175G>A (p.Asp59Asn)

Gene: RBM10 (RNA binding motif protein 10; plus strand). Cytogenetic location: Xp11.3.
Variant type: single nucleotide variant.
Coding change: c.175G>A on transcript NM_005676.5 (MANE Select); coding-DNA position 175, G replaced by A.
Protein change: p.Asp59Asn; replaces aspartic acid 59 with asparagine.
Molecular consequence: missense variant.
Genome position (GRCh38, 1-based): chrX:47,169,472, G>A. VCF-style: chrX-47169472-G-A. GRCh37 (hg19) VCF-style: chrX-47028871-G-A.
Other names: c.175G>A, p.Asp59Asn (NM_001204466.2, NM_001204467.2, NM_152856.3); c.370G>A, p.Asp124Asn (NM_001204468.2, NM_001440861.1, NM_001440862.1 and 1 more transcripts); short protein forms D124N, D59N.
Identifiers: ClinVar variation 4873480 (VCV004873480.2).
Genomic context (GRCh38, chrX:47,169,472, plus strand): 5'-ATGGACTACCGTTCATATCCTCGCGAGTATGGCAGCCAGGAGGGCAAGCATGACTATGAC[G>A]ACTCATCTGAGGAGCAGAGTGCGGAGGTGAGGAGGGGGCGCGCTGCGCCAGGCCTGGCTG-3'
Protein context (NP_005667.2, residues 49-69): GSQEGKHDYD[Asp59Asn]SSEEQSAEDS